The following is an entry in ClinVar:

NM_007186.6(CEP250):c.6709G>A (p.Glu2237Lys)

Gene: CEP250 (centrosomal protein 250; plus strand). Cytogenetic location: 20q11.22.
Variant type: single nucleotide variant.
Coding change: c.6709G>A on transcript NM_007186.6 (MANE Select); coding-DNA position 6709, G replaced by A.
Protein change: p.Glu2237Lys; replaces glutamic acid 2237 with lysine.
Molecular consequence: missense variant.
Genome position (GRCh38, 1-based): chr20:35,507,810, G>A. VCF-style: chr20-35507810-G-A. GRCh37 (hg19) VCF-style: chr20-34095639-G-A.
Other names: c.4813G>A, p.Glu1605Lys (NM_001318219.1); short protein forms E1605K, E2237K.
Identifiers: ClinVar variation 2780729 (VCV002780729.3), dbSNP rs2064232235, ClinGen allele CA408759549.
Genomic context (GRCh38, chr20:35,507,810, plus strand): 5'-CTCACCAGACGGGCTCTGGAGAAGGAGCGGCTACACAGCCCAGGTGCAACCAGCACAGCA[G>A]AACTGGGGTCCAGAGGGGAGCAGGGTGTGCAGCTGGGAGAGGTGAGCTGGGGGCTCTGGG-3'
Protein context (NP_009117.2, residues 2227-2247): LHSPGATSTA[Glu2237Lys]LGSRGEQGVQ

ClinVar aggregate classification (germline): Uncertain significance (1 of 4 stars; one submission).

Allele frequency attached by ClinVar (database versions not stated): gnomAD exomes below 0.00001.
gnomAD v4.1: 1 of 1,580,198 alleles (0.000063%); no homozygotes.

Submission:

Labcorp Genetics (formerly Invitae), Labcorp
Classification: Uncertain significance. Last evaluated: 2023-11-24. Review status: criteria provided, single submitter. Criteria: Invitae Variant Classification Sherloc (09022015). Collection method: clinical testing. Allele origin: germline.
Comment: This sequence change replaces glutamic acid, which is acidic and polar, with lysine, which is basic and polar, at codon 2237 of the CEP250 protein (p.Glu2237Lys). This variant is not present in population databases (gnomAD no frequency). This variant has not been reported in the literature in individuals affected with CEP250-related conditions. An algorithm developed to predict the effect of missense changes on protein structure and function (PolyPhen-2) suggests that this variant is likely to be tolerated. In summary, the available evidence is currently insufficient to determine the role of this variant in disease. Therefore, it has been classified as a Variant of Uncertain Significance.